The following is an entry in ClinVar:

NM_002693.3(POLG):c.126GCA[14] (p.Gln53_Gln55dup)

Genes: POLG (DNA polymerase gamma, catalytic subunit; minus strand), POLGARF (POLG alternative reading frame; minus strand). Cytogenetic location: 15q26.1.
Variant type: Microsatellite.
Coding change: c.126GCA[14] on transcript NM_002693.3 (MANE Select); 14 copies in a row of the 3-base unit GCA starting at c.126; the reference has 11 copies in a row; three copies, 9 bases duplicated; also written c.150_158dup.
Protein change: p.Gln53_Gln55dup.
Molecular consequence: inframe insertion.
Genome position (GRCh38, 1-based): chr15:89,333,597-89,333,605, TGCTGCTGC duplicated on the plus strand (GCAGCAGCA on the coding strand, the reverse complement: POLG is on the minus strand); duplicating any 9 consecutive bases within chr15:89,333,597-89,333,629 gives the same sequence; the position shown is the placement nearest the transcript's 3' end. VCF-style (leftmost placement, unchanged base first): chr15-89333596-T-TTGCTGCTGC. GRCh37 (hg19) VCF-style: chr15-89876827-T-TTGCTGCTGC.
Other names: c.150_158dupGCAGCAGCA (NM_002693.2); c.150_158dup (NM_002693.3); c.126GCA[14], p.Gln53_Gln55dup (NM_001126131.2).
Identifiers: ClinVar variation 206482 (VCV000206482.59), dbSNP rs41550117, ClinGen allele CA316618.
Genomic context (GRCh38, chr15:89,333,596, plus strand): 5'-TGGGTTGTGCCGCAGCTGCCCGCCCTCCGAGGATAGCACTTGCGGCTGCTGAGGCTGCTG[T>TTGCTGCTGC]TGCTGCTGCTGCTGCTGCTGCTGCTGCTGCTGCCGCCGCCGCTGCCCGTCGCTGGGGTCG-3'

ClinVar aggregate classification (germline): Benign/Likely benign. Review status: criteria provided, multiple submitters, no conflicts (2 of 4 stars). 15 submissions from 14 submitters: Benign (4); Likely benign (6). 5 of the submissions do not count toward it. Last evaluated 2026-08-01.

Conditions:
Inborn genetic diseases. Identifiers: MedGen C0950123, MeSH D030342.
Sensory ataxic neuropathy, dysarthria, and ophthalmoparesis (SANDO). Also called: Sensory ataxic neuropathy-dysarthria-ophthalmoparesis syndrome; Ataxia Neuropathy Spectrum (ANS); Epilepsy, progressive myoclonic, type 5; SENSORY ATAXIC NEUROPATHY WITH MITOCHONDRIAL DNA DELETIONS, AUTOSOMAL RECESSIVE. Identifiers: Orphanet 70595, MedGen C1843851, MONDO:0011835, OMIM 607459.
Progressive sclerosing poliodystrophy (MTDPS4A). Also called: Alpers Syndrome; Mitochondrial DNA depletion syndrome 4A (Alpers type); ALPERS DIFFUSE DEGENERATION OF CEREBRAL GRAY MATTER WITH HEPATIC CIRRHOSIS; Alpers-Huttenlocher Syndrome; ALPERS PROGRESSIVE INFANTILE POLIODYSTROPHY; NEURONAL DEGENERATION OF CHILDHOOD WITH LIVER DISEASE, PROGRESSIVE. Identifiers: Orphanet 726, MedGen C0205710, MONDO:0008758, OMIM 203700.
Progressive external ophthalmoplegia with mitochondrial DNA deletions, autosomal recessive 1 (PEOB1). Also called: Progressive external ophthalmoplegia, autosomal recessive 1; Autosomal Recessive Progressive External Ophthalmoplegia (arPEO). Identifiers: Orphanet 254886, MedGen C4225153, MONDO:0009783, OMIM 258450.
Progressive external ophthalmoplegia with mitochondrial DNA deletions, autosomal dominant 1 (PEOA1). Also called: PROGRESSIVE EXTERNAL OPHTHALMOPLEGIA, AUTOSOMAL DOMINANT 1; Autosomal Dominant Progressive External Ophthalmoplegia (adPEO). Identifiers: MedGen C1834846, MONDO:0024528, OMIM 157640.
Mitochondrial DNA depletion syndrome 4b. Also called: MNGIE, POLG-RELATED; Mitochondrial Neurogastrointestinal Encephalopathy Disease, POLG-Related. Identifiers: Orphanet 298, MedGen C3150914, MONDO:0013350, OMIM 613662.
Mitochondrial DNA depletion syndrome 1. Also called: Mitochondrial Neurogastrointestinal Encephalopathy Disease; MITOCHONDRIAL NEUROGASTROINTESTINAL ENCEPHALOPATHY SYNDROME, TYMP-RELATED; MNGIE, TYMP-RELATED; Mitochondrial DNA depletion syndrome 1 (MNGIE type); Mitochondrial neurogastrointestinal encephalomyopathy syndrome; POLIP SYNDROME. Identifiers: Orphanet 298, MedGen C4551995, MONDO:0011283, OMIM 603041.

Submissions (15):

CeGaT Center for Human Genetics Tuebingen
Classification: Likely benign. Last evaluated: 2026-08-01. Review status: criteria provided, single submitter. Criteria: CeGaT Center For Human Genetics Tuebingen Variant Classification Criteria Version 2. Collection method: clinical testing. Allele origin: germline. Affected: yes. Observed: 19 variant alleles.
Comment: POLG: BS2

Labcorp Genetics (formerly Invitae), Labcorp
Classification: Likely benign for Progressive sclerosing poliodystrophy. Last evaluated: 2026-02-03. Review status: criteria provided, single submitter. Criteria: Invitae Variant Classification Sherloc (09022015). Collection method: clinical testing. Allele origin: germline.

Athena Diagnostics
Classification: Benign. Last evaluated: 2025-10-02. Review status: criteria provided, single submitter. Criteria: Athena Diagnostics Criteria. Collection method: clinical testing. Allele origin: unknown.
Comment: The frequency of this variant in the general population is higher than would generally be expected for pathogenic variants in this gene. This variant has been seen where an alternate explanation for disease was also identified.

Blueprint Genetics
Classification: Likely benign. Last evaluated: 2024-11-08. Review status: criteria provided, single submitter. Criteria: ACMG Guidelines, 2015. Collection method: clinical testing. Allele origin: germline.

Fulgent Genetics
Classification: Likely benign for Progressive external ophthalmoplegia with mitochondrial DNA deletions, autosomal dominant 1; Progressive sclerosing poliodystrophy; Progressive external ophthalmoplegia with mitochondrial DNA deletions, autosomal recessive 1; Mitochondrial DNA depletion syndrome 1; Sensory ataxic neuropathy, dysarthria, and ophthalmoparesis; Mitochondrial DNA depletion syndrome 4b. Last evaluated: 2021-09-23. Review status: criteria provided, single submitter. Criteria: ACMG Guidelines, 2015. Collection method: clinical testing. Allele origin: unknown.

Ambry Genetics
Classification: Benign for Inborn genetic diseases. Last evaluated: 2017-09-14. Review status: criteria provided, single submitter. Criteria: Ambry Variant Classification Scheme 2023. Collection method: clinical testing. Allele origin: germline.

Eurofins Ntd Llc (ga)
Classification: Benign. Last evaluated: 2017-04-13. Review status: criteria provided, single submitter. Criteria: EGL Classification Definitions 2015. Collection method: clinical testing. Allele origin: germline. Observed: 1 variant allele, 1 heterozygote.

Center for Pediatric Genomic Medicine, Children's Mercy Hospital and Clinics
Classification: Likely benign. Last evaluated: 2015-08-26. Review status: criteria provided, single submitter. Criteria: ACMG Guidelines, 2015. Collection method: clinical testing. Allele origin: germline.
ClinVar note: Converted during submission from Likely Benign to Likely benign.

Genetic Services Laboratory, University of Chicago
Classification: Likely benign. Last evaluated: 2015-04-06. Review status: criteria provided, single submitter. Criteria: ACMG Guidelines, 2015. Collection method: clinical testing. Allele origin: germline.

GeneDx
Classification: Benign. Last evaluated: 2015-03-03. Review status: criteria provided, single submitter. Criteria: GeneDx Variant Classification Process June 2021. Collection method: clinical testing. Allele origin: germline. Affected: yes.

Mayo Clinic Laboratories, Mayo Clinic
Classification: Likely benign. Last evaluated: 2016-02-29. Review status: no assertion criteria provided. Collection method: clinical testing. Allele origin: unknown. Not counted in ClinVar's aggregate classification.

Clinical Genetics DNA and cytogenetics Diagnostics Lab, Erasmus MC, Erasmus Medical Center
Classification: Benign. Review status: no assertion criteria provided. Collection method: clinical testing. Allele origin: germline. Affected: yes. Study: VKGL Data-share Consensus. Not counted in ClinVar's aggregate classification.

Diagnostic Laboratory, Department of Genetics, University Medical Center Groningen
Classification: Benign. Review status: no assertion criteria provided. Collection method: clinical testing. Allele origin: germline. Affected: yes. Study: VKGL Data-share Consensus. Not counted in ClinVar's aggregate classification.

Genome Diagnostics Laboratory, University Medical Center Utrecht
Classification: Likely benign. Review status: no assertion criteria provided. Collection method: clinical testing. Allele origin: germline. Affected: yes. Study: VKGL Data-share Consensus. Not counted in ClinVar's aggregate classification.

GeneDx
Classification: Benign. Last evaluated: 2014-08-19. Review status: flagged submission. Criteria: GeneDx Variant Classification (06012015). Collection method: clinical testing. Allele origin: germline. Affected: yes. Not counted in ClinVar's aggregate classification.
Comment: The variant is found in POLG panel(s).
ClinVar note: Reason: This record appears to be redundant with a more recent record from the same submitter.
ClinVar note: Notes: SCV000242147 appears to be redundant with SCV001910327.

Literature cited by the submitters: PubMed 10196696 (cited by Athena Diagnostics); PubMed 11687794 (cited by Athena Diagnostics); PubMed 8884268 (cited by Athena Diagnostics); PubMed 20399836 (cited by Athena Diagnostics); PubMed 16392637 (cited by Athena Diagnostics); PubMed 15181541 (cited by Athena Diagnostics); PubMed 17846414 (cited by Athena Diagnostics).